The following is an entry in ClinVar:

ClinVar aggregate classification (germline): Uncertain significance (1 of 4 stars; one submission).

Allele frequency attached by ClinVar (database versions not stated): gnomAD 0.00001 and 0.00002; TOPMed 0.00001; gnomAD exomes 0.00003 and 0.00006; ExAC 0.00022.
gnomAD v4.1: 28 of 1,142,944 alleles (0.0024%); highest among the groups gnomAD compares: South Asian, 0.025%; no homozygotes.

Submission:

Labcorp Genetics (formerly Invitae), Labcorp
Classification: Uncertain significance. Last evaluated: 2025-10-06. Review status: criteria provided, single submitter. Criteria: Invitae Variant Classification Sherloc (09022015). Collection method: clinical testing. Allele origin: germline.
Comment: This sequence change replaces glycine, which is neutral and non-polar, with serine, which is neutral and polar, at codon 83 of the NYX protein (p.Gly83Ser). This variant is present in population databases (rs777830978, gnomAD 0.01%). This variant has not been reported in the literature in individuals affected with NYX-related conditions. ClinVar contains an entry for this variant (Variation ID: 1475612). An algorithm developed to predict the effect of missense changes on protein structure and function (PolyPhen-2) suggests that this variant is likely to be disruptive. In summary, the available evidence is currently insufficient to determine the role of this variant in disease. Therefore, it has been classified as a Variant of Uncertain Significance.

NM_001378477.3(NYX):c.232G>A (p.Gly78Ser)

Gene: NYX (nyctalopin; plus strand). Cytogenetic location: Xp11.4.
Variant type: single nucleotide variant.
Coding change: c.232G>A on transcript NM_001378477.3 (MANE Select); coding-DNA position 232, G replaced by A.
Protein change: p.Gly78Ser; replaces glycine 78 with serine.
Molecular consequence: missense variant.
Genome position (GRCh38, 1-based): chrX:41,473,700, G>A. VCF-style: chrX-41473700-G-A. GRCh37 (hg19) VCF-style: chrX-41332953-G-A.
Other names: c.232G>A, p.Gly78Ser (NM_022567.3); short protein forms G78S.
Identifiers: ClinVar variation 1475612 (VCV001475612.6), dbSNP rs777830978, ClinGen allele CA10389790.